The following is an entry in ClinVar:

NM_000350.3(ABCA4):c.5970_5990del (p.Thr1992_Val1998del)

Gene: ABCA4 (ATP binding cassette subfamily A member 4; minus strand). Cytogenetic location: 1p22.1.
Variant type: Deletion.
Coding change: c.5970_5990del on transcript NM_000350.3 (MANE Select); coding-DNA positions 5970 to 5990, 21 bases deleted (AGTGACCTCAGGGGATGCCAC).
Protein change: p.Thr1992_Val1998del.
Molecular consequence: inframe deletion. On other transcripts: inframe indel (1).
Genome position (GRCh38, 1-based): chr1:94,007,649-94,007,669, GTGGCATCCCCTGAGGTCACT deleted on the plus strand (AGTGACCTCAGGGGATGCCAC on the coding strand, the reverse complement: ABCA4 is on the minus strand); deleting any 21 consecutive bases within chr1:94,007,649-94,007,673 gives the same sequence; the c. name uses the placement nearest the transcript's 3' end. VCF-style (leftmost placement, unchanged base first): chr1-94007648-GGTGGCATCCCCTGAGGTCACT-G. GRCh37 (hg19) VCF-style: chr1-94473204-GGTGGCATCCCCTGAGGTCACT-G.
Other names: c.5744_5764del21, p.Thr1918_Val1924del (NM_001425324.1).
Identifiers: ClinVar variation 860601 (VCV000860601.9), dbSNP rs1659426203, ClinGen allele CA916082047.
Genomic context (GRCh38, chr1:94,007,648, plus strand): 5'-AGGACCTGTGAGAGACTCCCTGAGACAGGAGGAGCAGGATACTCACCTCTTGCCTGCTAC[GGTGGCATCCCCTGAGGTCACT>G]GTGGTGTCCCCAGTGAGCATCTTGAATGTGGTTGTTTTGCCGGCACCATTCACTCCCAGG-3'

ClinVar aggregate classification (germline): Pathogenic (1 of 4 stars; one submission).

Submission:

Labcorp Genetics (formerly Invitae), Labcorp
Classification: Pathogenic. Last evaluated: 2025-04-28. Review status: criteria provided, single submitter. Criteria: Invitae Variant Classification Sherloc (09022015). Collection method: clinical testing. Allele origin: germline.
Comment: This variant, c.5970_5990del, results in the deletion of 7 amino acid(s) of the ABCA4 protein (p.Thr1992_Val1998del), but otherwise preserves the integrity of the reading frame. This variant is not present in population databases (gnomAD no frequency). This variant has been observed in individual(s) with clinical features of Stargardt disease (internal data). ClinVar contains an entry for this variant (Variation ID: 860601). This variant disrupts a region of the ABCA4 protein in which other variant(s) (p.Gly1994Glu) have been determined to be pathogenic (PMID: 32619608; internal data). This suggests that this is a clinically significant region of the protein, and that variants that disrupt it are likely to be disease-causing. For these reasons, this variant has been classified as Pathogenic.

Literature cited by the submitters: PubMed 32619608.